The following is an entry in ClinVar:

NM_000135.4(FANCA):c.116G>C (p.Arg39Thr)

Gene: FANCA (FA complementation group A; minus strand). Cytogenetic location: 16q24.3.
Variant type: single nucleotide variant.
Coding change: c.116G>C on transcript NM_000135.4 (MANE Select); coding-DNA position 116, G replaced by C.
Protein change: p.Arg39Thr; replaces arginine 39 with threonine.
Molecular consequence: missense variant.
Genome position (GRCh38, 1-based): chr16:89,815,950, C>G on the plus strand (G>C on the coding strand, the complement: FANCA is on the minus strand). VCF-style: chr16-89815950-C-G. GRCh37 (hg19) VCF-style: chr16-89882358-C-G.
Other names: c.116G>C, p.Arg39Thr (NM_001018112.3, NM_001286167.3, NM_001351830.2); c.116G>C (NM_000135.2); short protein forms R39T.
Identifiers: ClinVar variation 1330115 (VCV001330115.7), dbSNP rs151089298, ClinGen allele CA8253168.

ClinVar aggregate classification (germline): Uncertain significance. Review status: criteria provided, multiple submitters, no conflicts (2 of 4 stars). 3 submissions from 3 submitters: Uncertain significance (3). Last evaluated 2025-03-10.

Conditions:
Inborn genetic diseases. Identifiers: MedGen C0950123, MeSH D030342.
Fanconi anemia (FA). Also called: Fanconi's anemia. Identifiers: Orphanet 84, MedGen C0015625, MeSH D005199, MONDO:0019391.

Allele frequency attached by ClinVar (database versions not stated): ESP Exome Variant Server 0.00008.

Submissions (3):

Ambry Genetics
Classification: Uncertain significance for Inborn genetic diseases. Last evaluated: 2025-03-10. Review status: criteria provided, single submitter. Criteria: Ambry Variant Classification Scheme 2023. Collection method: clinical testing. Allele origin: germline.
Comment: The p.R39T variant (also known as c.116G>C), located in coding exon 2 of the FANCA gene, results from a G to C substitution at nucleotide position 116. The arginine at codon 39 is replaced by threonine, an amino acid with similar properties. This amino acid position is conserved. In addition, this alteration is predicted to be tolerated by in silico analysis. Based on the available evidence, the clinical significance of this variant remains unclear.

Labcorp Genetics (formerly Invitae), Labcorp
Classification: Uncertain significance for Fanconi anemia. Last evaluated: 2024-05-20. Review status: criteria provided, single submitter. Criteria: Invitae Variant Classification Sherloc (09022015). Collection method: clinical testing. Allele origin: germline.
Comment: This sequence change replaces arginine, which is basic and polar, with threonine, which is neutral and polar, at codon 39 of the FANCA protein (p.Arg39Thr). This variant is present in population databases (rs151089298, gnomAD no frequency). This variant has not been reported in the literature in individuals affected with FANCA-related conditions. ClinVar contains an entry for this variant (Variation ID: 1330115). Advanced modeling of protein sequence and biophysical properties (such as structural, functional, and spatial information, amino acid conservation, physicochemical variation, residue mobility, and thermodynamic stability) performed at Invitae indicates that this missense variant is not expected to disrupt FANCA protein function with a negative predictive value of 80%. In summary, the available evidence is currently insufficient to determine the role of this variant in disease. Therefore, it has been classified as a Variant of Uncertain Significance.

Quest Diagnostics Nichols Institute San Juan Capistrano
Classification: Uncertain significance. Last evaluated: 2021-04-28. Review status: criteria provided, single submitter. Criteria: Quest Diagnostics criteria. Collection method: clinical testing. Allele origin: unknown.